The following is an entry in ClinVar:

ClinVar aggregate classification (germline): Benign/Likely benign. Review status: criteria provided, multiple submitters, no conflicts (2 of 4 stars). 3 submissions from 3 submitters: Benign (2); Likely benign (1). Last evaluated 2026-08-01.

Allele frequency attached by ClinVar (database versions not stated): gnomAD exomes 0.00046 and 0.00133; ExAC 0.00152; 1000 Genomes Project 0.00339; 1000 Genomes Project 30x 0.00344; ESP Exome Variant Server 0.00385; gnomAD 0.00386 and 0.00423; TOPMed 0.00442.
gnomAD v4.1: 1,273 of 1,614,232 alleles (0.079%); highest among the groups gnomAD compares: African/African-American, 1.4%; 4 homozygotes.

Submissions (3):

CeGaT Center for Human Genetics Tuebingen
Classification: Likely benign. Last evaluated: 2026-08-01. Review status: criteria provided, single submitter. Criteria: CeGaT Center For Human Genetics Tuebingen Variant Classification Criteria Version 2. Collection method: clinical testing. Allele origin: germline. Affected: yes. Observed: 4 variant alleles.
Comment: SRRM2: BP4, BP7, BS1

Labcorp Genetics (formerly Invitae), Labcorp
Classification: Benign. Last evaluated: 2019-12-31. Review status: criteria provided, single submitter. Criteria: Invitae Variant Classification Sherloc (09022015). Collection method: clinical testing. Allele origin: germline.

Breakthrough Genomics
Classification: Benign. Review status: criteria provided, single submitter. Criteria: ACMG Guidelines, 2015. Collection method: not provided. Allele origin: germline. Inheritance: Unknown mechanism. Affected: yes.

NM_016333.4(SRRM2):c.5028A>G (p.Pro1676=)

Gene: SRRM2 (serine/arginine repetitive matrix 2; plus strand). Cytogenetic location: 16p13.3.
Variant type: single nucleotide variant.
Coding change: c.5028A>G on transcript NM_016333.4 (MANE Select); coding-DNA position 5028, A replaced by G.
Protein change: p.Pro1676=; no amino-acid change (proline 1676 retained).
Molecular consequence: synonymous variant.
Genome position (GRCh38, 1-based): chr16:2,765,556, A>G. VCF-style: chr16-2765556-A-G. GRCh37 (hg19) VCF-style: chr16-2815557-A-G.
Identifiers: ClinVar variation 721125 (VCV000721125.10), dbSNP rs149288106, ClinGen allele CA7848369.